The following is an entry in ClinVar:

NM_001330691.3(CEP78):c.422C>T (p.Ala141Val)

Gene: CEP78 (centrosomal protein 78; plus strand). Cytogenetic location: 9q21.2.
Variant type: single nucleotide variant.
Coding change: c.422C>T on transcript NM_001330691.3 (MANE Select); coding-DNA position 422, C replaced by T.
Protein change: p.Ala141Val; replaces alanine 141 with valine.
Molecular consequence: missense variant.
Genome position (GRCh38, 1-based): chr9:78,240,191, C>T. VCF-style: chr9-78240191-C-T. GRCh37 (hg19) VCF-style: chr9-80855107-C-T.
Other names: c.422C>T, p.Ala141Val (NM_001098802.3, NM_001330693.3, NM_001330694.2 and 4 more transcripts); short protein forms A141V.
Identifiers: ClinVar variation 1360547 (VCV001360547.6), dbSNP rs765162053, ClinGen allele CA5094899.

ClinVar aggregate classification (germline): Uncertain significance (1 of 4 stars; one submission).

Allele frequency attached by ClinVar (database versions not stated): gnomAD exomes below 0.00001; ExAC 0.00001; gnomAD 0.00001; TOPMed 0.00001.

Submission:

Labcorp Genetics (formerly Invitae), Labcorp
Classification: Uncertain significance. Last evaluated: 2022-03-04. Review status: criteria provided, single submitter. Criteria: Invitae Variant Classification Sherloc (09022015). Collection method: clinical testing. Allele origin: germline.
Comment: In summary, the available evidence is currently insufficient to determine the role of this variant in disease. Therefore, it has been classified as a Variant of Uncertain Significance. Algorithms developed to predict the effect of missense changes on protein structure and function (SIFT, PolyPhen-2, Align-GVGD) all suggest that this variant is likely to be tolerated. This variant has not been reported in the literature in individuals affected with CEP78-related conditions. This variant is not present in population databases (gnomAD no frequency). This sequence change replaces alanine, which is neutral and non-polar, with valine, which is neutral and non-polar, at codon 141 of the CEP78 protein (p.Ala141Val).